The following is an entry in ClinVar:

NM_004583.4(RAB5C):c.138dup (p.His47fs)

Gene: RAB5C (RAB5C, member RAS oncogene family; minus strand). Cytogenetic location: 17q21.2.
Variant type: Duplication.
Coding change: c.138dup on transcript NM_004583.4 (MANE Select); coding-DNA position 138, one base duplicated (T; older notation c.138dupT).
Protein change: p.His47fs; shifts the reading frame from histidine 47.
Molecular consequence: frameshift variant.
Genome position (GRCh38, 1-based): chr17:42,130,365, A duplicated on the plus strand (T on the coding strand, the reverse complement: RAB5C is on the minus strand); the first of 3 consecutive A bases (chr17:42,130,365-42,130,367); duplicating any one gives the same sequence. VCF-style (leftmost placement, unchanged base first): chr17-42130364-G-GA. GRCh37 (hg19) VCF-style: chr17-40282382-G-GA.
Other names: c.237dup, p.His80fs (NM_001252039.2); c.138dup, p.His47fs (NM_201434.3); short protein forms H47fs, H80fs.
Identifiers: ClinVar variation 3765755 (VCV003765755.1).

ClinVar aggregate classification (germline): Uncertain significance (1 of 4 stars; one submission).

Submission:

Greenwood Genetic Center Diagnostic Laboratories, Greenwood Genetic Center
Classification: Uncertain significance. Last evaluated: 2024-07-01. Review status: criteria provided, single submitter. Criteria: ACMG Guidelines, 2015. Collection method: clinical testing. Allele origin: germline. Affected: yes.
Comment: Gene of Uncertain Significance